The following is an entry in ClinVar:

NM_020812.4(DOCK6):c.3304C>A (p.Pro1102Thr)

Gene: DOCK6 (dedicator of cytokinesis 6; minus strand). Cytogenetic location: 19p13.2.
Variant type: single nucleotide variant.
Coding change: c.3304C>A on transcript NM_020812.4 (MANE Select); coding-DNA position 3304, C replaced by A.
Protein change: p.Pro1102Thr; replaces proline 1102 with threonine.
Molecular consequence: missense variant.
Genome position (GRCh38, 1-based): chr19:11,222,185, G>T on the plus strand (C>A on the coding strand, the complement: DOCK6 is on the minus strand). VCF-style: chr19-11222185-G-T. GRCh37 (hg19) VCF-style: chr19-11332861-G-T.
Other names: c.3409C>A, p.Pro1137Thr (NM_001367830.1); short protein forms P1137T, P1102T.
Identifiers: ClinVar variation 1349446 (VCV001349446.5), dbSNP rs370060122, ClinGen allele CA9207295.

ClinVar aggregate classification (germline): Uncertain significance (1 of 4 stars; one submission).

Allele frequency attached by ClinVar (database versions not stated): gnomAD 0.00003; gnomAD exomes 0.00003; ExAC 0.00004; TOPMed 0.00007; ESP Exome Variant Server 0.00016.
gnomAD v4.1: 13 of 1,608,866 alleles (0.00081%); highest among the groups gnomAD compares: African/African-American, 0.016%; no homozygotes.

Submission:

Labcorp Genetics (formerly Invitae), Labcorp
Classification: Uncertain significance. Last evaluated: 2021-12-02. Review status: criteria provided, single submitter. Criteria: Invitae Variant Classification Sherloc (09022015). Collection method: clinical testing. Allele origin: germline.
Comment: This sequence change replaces proline, which is neutral and non-polar, with threonine, which is neutral and polar, at codon 1102 of the DOCK6 protein (p.Pro1102Thr). This variant is present in population databases (rs370060122, gnomAD 0.03%). This variant has not been reported in the literature in individuals affected with DOCK6-related conditions. Algorithms developed to predict the effect of missense changes on protein structure and function (SIFT, PolyPhen-2, Align-GVGD) all suggest that this variant is likely to be tolerated. In summary, the available evidence is currently insufficient to determine the role of this variant in disease. Therefore, it has been classified as a Variant of Uncertain Significance.